The following is an entry in ClinVar:

NM_001080512.3(BICC1):c.2534C>T (p.Thr845Met)

Gene: BICC1 (BicC family RNA binding protein 1; plus strand). Cytogenetic location: 10q21.1.
Variant type: single nucleotide variant.
Coding change: c.2534C>T on transcript NM_001080512.3 (MANE Select); coding-DNA position 2534, C replaced by T.
Protein change: p.Thr845Met; replaces threonine 845 with methionine.
Molecular consequence: missense variant.
Genome position (GRCh38, 1-based): chr10:58,817,562, C>T. VCF-style: chr10-58817562-C-T. GRCh37 (hg19) VCF-style: chr10-60577322-C-T.
Other names: c.2534C>T (NM_001080512.1); short protein forms T845M.
Identifiers: ClinVar variation 2718737 (VCV002718737.5), dbSNP rs148373453, ClinGen allele CA5508858.

ClinVar aggregate classification (germline): Uncertain significance. Review status: criteria provided, multiple submitters, no conflicts (2 of 4 stars). 3 submissions from 3 submitters: Uncertain significance (3). Last evaluated 2025-07-29.

Conditions:
Renal dysplasia, cystic, susceptibility to. Identifiers: MedGen C3275898, MONDO:0011037, OMIM 601331.

Allele frequency attached by ClinVar (database versions not stated): 1000 Genomes Project 30x 0.00031; ESP Exome Variant Server 0.00038; 1000 Genomes Project 0.00040.
gnomAD v4.1: 136 of 1,613,334 alleles (0.0084%); highest among the groups gnomAD compares: African/African-American, 0.12%; no homozygotes.

Submissions (3):

Labcorp Genetics (formerly Invitae), Labcorp
Classification: Uncertain significance. Last evaluated: 2025-07-29. Review status: criteria provided, single submitter. Criteria: Invitae Variant Classification Sherloc (09022015). Collection method: clinical testing. Allele origin: germline.
Comment: This sequence change replaces threonine, which is neutral and polar, with methionine, which is neutral and non-polar, at codon 845 of the BICC1 protein (p.Thr845Met). This variant is present in population databases (rs148373453, gnomAD 0.1%), and has an allele count higher than expected for a pathogenic variant. This variant has not been reported in the literature in individuals affected with BICC1-related conditions. ClinVar contains an entry for this variant (Variation ID: 2718737). An algorithm developed to predict the effect of missense changes on protein structure and function outputs the following: PolyPhen-2: "Benign". The methionine amino acid residue is found in multiple mammalian species, which suggests that this missense change does not adversely affect protein function. In summary, the available evidence is currently insufficient to determine the role of this variant in disease. Therefore, it has been classified as a Variant of Uncertain Significance.

Fulgent Genetics
Classification: Uncertain significance for Renal dysplasia, cystic, susceptibility to. Last evaluated: 2024-06-24. Review status: criteria provided, single submitter. Criteria: ACMG Guidelines, 2015. Collection method: clinical testing. Allele origin: germline.

Ambry Genetics
Classification: Uncertain significance. Last evaluated: 2023-11-03. Review status: criteria provided, single submitter. Criteria: Ambry Variant Classification Scheme 2023. Collection method: clinical testing. Allele origin: germline.